The following is an entry in ClinVar:

NM_003002.4(SDHD):c.156_158del (p.Pro53del)

Gene: SDHD (succinate dehydrogenase complex subunit D; plus strand). Cytogenetic location: 11q23.1.
Variant type: Deletion.
Coding change: c.156_158del on transcript NM_003002.4 (MANE Select); coding-DNA positions 156 to 158, 3 bases deleted (ACC; older notation c.156_158delACC).
Protein change: p.Pro53del; deletes proline 53.
Molecular consequence: inframe deletion. On other transcripts: non-coding transcript variant (1), intron variant (1).
Genome position (GRCh38, 1-based): chr11:112,087,960-112,087,962, ACC deleted; deleting any 3 consecutive bases within chr11:112,087,959-112,087,962 gives the same sequence; the c. name uses the placement nearest the transcript's 3' end. VCF-style (leftmost placement, unchanged base first): chr11-112087958-TCAC-T. GRCh37 (hg19) VCF-style: chr11-111958682-TCAC-T.
Other names: c.156_158del, p.Pro53del (NM_001276503.2, NM_001276506.2); c.53-907_53-905del (NM_001276504.2); c.156_158delACC (NM_003002.2); short protein forms P53del.
Identifiers: ClinVar variation 1967572 (VCV001967572.6), dbSNP rs2498900383, ClinGen allele CA2580083468.
Genomic context (GRCh38, chr11:112,087,958, plus strand): 5'-TCAGCATTTCTTCAGGACCGACCTATCCCAGAATGGTGTGGAGTGCAGCACATACACTTG[TCAC>T]CGAGCCACCATTGTATGTTCTCTCCATCGCTGCTGCTTTCTGGGCTCTAGCCATCTTTAC-3'

ClinVar aggregate classification (germline): Uncertain significance. Review status: criteria provided, multiple submitters, no conflicts (2 of 4 stars). 2 submissions from 2 submitters: Uncertain significance (2). Last evaluated 2025-06-08.

Conditions:
Pheochromocytoma. Also called: MAX-Related Hereditary Paraganglioma-Pheochromocytoma Syndrome. Identifiers: Orphanet 29072, MedGen C0031511, MONDO:0008233, OMIM 171300, HP:0002666.
Cowden syndrome 3 (CWS3). Identifiers: Orphanet 201, MedGen CN166604, MONDO:0014045.
Carney-Stratakis syndrome. Also called: PARAGANGLIOMA AND GASTROINTESTINAL STROMAL TUMOR. Identifiers: Orphanet 97286, MedGen C1847319, MONDO:0011740, OMIM 606864.
Paragangliomas with sensorineural hearing loss. Identifiers: MedGen C1868633.
Hereditary cancer-predisposing syndrome. Also called: Tumor predisposition; Hereditary Cancer Syndrome; Hereditary neoplastic syndrome; Neoplastic Syndromes, Hereditary. Identifiers: Orphanet 140162, MedGen C0027672, MeSH D009386, MONDO:0015356.

Submissions (2):

Labcorp Genetics (formerly Invitae), Labcorp
Classification: Uncertain significance for Carney-Stratakis syndrome; Paragangliomas with sensorineural hearing loss; Pheochromocytoma; Cowden syndrome 3. Last evaluated: 2025-06-08. Review status: criteria provided, single submitter. Criteria: Invitae Variant Classification Sherloc (09022015). Collection method: clinical testing. Allele origin: germline.
Comment: This variant, c.156_158del, results in the deletion of 1 amino acid(s) of the SDHD protein (p.Pro53del), but otherwise preserves the integrity of the reading frame. This variant is not present in population databases (gnomAD no frequency). This variant has not been reported in the literature in individuals affected with SDHD-related conditions. ClinVar contains an entry for this variant (Variation ID: 1967572). Experimental studies and prediction algorithms are not available or were not evaluated, and the functional significance of this variant is currently unknown. In summary, the available evidence is currently insufficient to determine the role of this variant in disease. Therefore, it has been classified as a Variant of Uncertain Significance.

Ambry Genetics
Classification: Uncertain significance for Hereditary cancer-predisposing syndrome. Last evaluated: 2024-04-11. Review status: criteria provided, single submitter. Criteria: Ambry Variant Classification Scheme 2023. Collection method: clinical testing. Allele origin: germline.
Comment: The c.156_158delACC variant (also known as p.P53del) is located in coding exon 2 of the SDHD gene. This variant results from an in-frame ACC deletion at nucleotide positions 156 to 158. This results in the in-frame deletion of a proline at codon 53. This amino acid position is well conserved in available vertebrate species. In addition, the in silico prediction for this alteration is inconclusive (Choi Y et al. PLoS ONE. 2012; 7(10):e46688). Based on the available evidence, the clinical significance of this variant remains unclear.